The following is an entry in ClinVar:

NM_001276345.2(TNNT2):c.489+4A>T

Gene: TNNT2 (troponin T2, cardiac type; minus strand). Cytogenetic location: 1q32.1.
Variant type: single nucleotide variant.
Coding change: c.489+4A>T on transcript NM_001276345.2 (MANE Select); 4 bases into the intron after coding-DNA position 489, A replaced by T.
Molecular consequence: intron variant.
Genome position (GRCh38, 1-based): chr1:201,364,294, T>A on the plus strand (A>T on the coding strand, the complement: TNNT2 is on the minus strand). VCF-style: chr1-201364294-T-A. GRCh37 (hg19) VCF-style: chr1-201333422-T-A.
Other names: c.459+4A>T (NM_001406727.1, NM_001406724.1, NM_001001431.3 and 3 more transcripts); c.444+4A>T (NM_001001432.3, NM_001406728.1); c.456+4A>T (NM_001406725.1); c.369+4A>T (NM_001276346.2); c.489+4A>T (NM_000364.4, NM_001406723.1).
Identifiers: ClinVar variation 4785092 (VCV004785092.1).

ClinVar aggregate classification (germline): Uncertain significance (1 of 4 stars; one submission).

Conditions:
Dilated cardiomyopathy 1D. Identifiers: Orphanet 154, Orphanet 54260, MedGen C1832243, MONDO:0011095, OMIM 601494.
Hypertrophic cardiomyopathy 2. Also called: TNNT2-Related Familial Hypertrophic Cardiomyopathy. Identifiers: MedGen C1861864, MONDO:0007266, OMIM 115195.
Cardiomyopathy, familial restrictive, 3. Identifiers: Orphanet 75249, MedGen C2676271, MONDO:0012900, OMIM 612422.

Submission:

Labcorp Genetics (formerly Invitae), Labcorp
Classification: Uncertain significance for Cardiomyopathy, familial restrictive, 3; Hypertrophic cardiomyopathy 2; Dilated cardiomyopathy 1D. Last evaluated: 2025-05-23. Review status: criteria provided, single submitter. Criteria: Invitae Variant Classification Sherloc (09022015). Collection method: clinical testing. Allele origin: germline.
Comment: This sequence change falls in intron 10 of the TNNT2 gene. It does not directly change the encoded amino acid sequence of the TNNT2 protein. It affects a nucleotide within the consensus splice site. This variant is not present in population databases (gnomAD no frequency). This variant has not been reported in the literature in individuals affected with TNNT2-related conditions. Variants that disrupt the consensus splice site are a relatively common cause of aberrant splicing (PMID: 17576681, 9536098). Algorithms developed to predict the effect of sequence changes on RNA splicing suggest that this variant may disrupt the consensus splice site. In summary, the available evidence is currently insufficient to determine the role of this variant in disease. Therefore, it has been classified as a Variant of Uncertain Significance.

Literature cited by the submitters: PubMed 17576681; PubMed 9536098.